The following is an entry in ClinVar:

NM_007294.4(BRCA1):c.4789A>G (p.Thr1597Ala)

Gene: BRCA1 (BRCA1 DNA repair associated; minus strand). Cytogenetic location: 17q21.31.
Variant type: single nucleotide variant.
Coding change: c.4789A>G on transcript NM_007294.4 (MANE Select); coding-DNA position 4789, A replaced by G.
Protein change: p.Thr1597Ala; replaces threonine 1597 with alanine.
Molecular consequence: missense variant. On other transcripts: non-coding transcript variant (1).
Genome position (GRCh38, 1-based): chr17:43,071,125, T>C on the plus strand (A>G on the coding strand, the complement: BRCA1 is on the minus strand). VCF-style: chr17-43071125-T-C. GRCh37 (hg19) VCF-style: chr17-41223142-T-C.
Other names: c.4783A>G, p.Thr1595Ala (NM_001407636.1, NM_001407637.1, NM_001407638.1 and 14 more transcripts); c.4780A>G, p.Thr1594Ala (NM_001407644.1, NM_001407645.1); c.4777A>G, p.Thr1593Ala (NM_001407646.1); c.1399A>G, p.Thr467Ala (NM_001408415.1, NM_001408416.1, NM_001408412.1 and 2 more transcripts); c.1363A>G, p.Thr455Ala (NM_001408418.1, NM_001408419.1, NM_001408420.1); c.1360A>G, p.Thr454Ala (NM_001408421.1, NM_001408422.1, NM_001408423.1 and 1 more transcripts); c.1357A>G, p.Thr453Ala (NM_001408425.1, NM_001408426.1, NM_001408427.1 and 4 more transcripts); c.4786A>G, p.Thr1596Ala (NM_001407617.1, NM_001407618.1, NM_001407619.1 and 17 more transcripts); and 70 more; short protein forms T1597A, T493A, T1550A, T1618A, T1300A, T1301A, T1428A, T1486A.
Identifiers: ClinVar variation 55288 (VCV000055288.13), dbSNP rs80357187, ClinGen allele CA003023.

ClinVar aggregate classification (germline): Conflicting classifications of pathogenicity. Review status: criteria provided, conflicting classifications (1 of 4 stars). 5 submissions from 5 submitters: Uncertain significance (2); Likely benign (2). 1 of the submissions does not count toward it. Last evaluated 2025-06-24.

Conditions:
Hereditary cancer-predisposing syndrome. Also called: Hereditary Cancer Syndrome; Hereditary neoplastic syndrome; Neoplastic Syndromes, Hereditary; Tumor predisposition. Identifiers: Orphanet 140162, MedGen C0027672, MeSH D009386, MONDO:0015356.
Breast-ovarian cancer, familial, susceptibility to, 1 (BROVCA1). Also called: BRCA1 Hereditary Breast and Ovarian Cancer; OVARIAN CANCER, SUSCEPTIBILITY TO. Identifiers: Orphanet 145, MedGen C2676676, MONDO:0011450, OMIM 604370. Disease mechanism: loss of function.
Hereditary breast ovarian cancer syndrome. Also called: BRCA1- and BRCA2-Associated Hereditary Breast and Ovarian Cancer; Hereditary breast and ovarian cancer syndrome; Hereditary breast and ovarian cancer syndrome (HBOC); Breast and ovarian cancer; Hereditary breast and/or ovarian cancer syndrome; Hereditary breast and ovarian cancer. Identifiers: Orphanet 145, MedGen C0677776, MeSH D061325, MONDO:0003582. Disease mechanism: loss of function.

Allele frequency attached by ClinVar (database versions not stated): gnomAD exomes below 0.00001.

Submissions (5):

Color Diagnostics, LLC DBA Color Health
Classification: Likely benign for Hereditary cancer-predisposing syndrome. Last evaluated: 2025-06-24. Review status: criteria provided, single submitter. Criteria: ACMG Guidelines, 2015. Collection method: clinical testing. Allele origin: germline.

Labcorp Genetics (formerly Invitae), Labcorp
Classification: Uncertain significance for Hereditary breast ovarian cancer syndrome. Last evaluated: 2023-08-28. Review status: criteria provided, single submitter. Criteria: Invitae Variant Classification Sherloc (09022015). Collection method: clinical testing. Allele origin: germline.
Comment: This sequence change replaces threonine, which is neutral and polar, with alanine, which is neutral and non-polar, at codon 1597 of the BRCA1 protein (p.Thr1597Ala). This variant is not present in population databases (gnomAD no frequency). This missense change has been observed in individual(s) with BRCA1-related conditions (PMID: 10923033). ClinVar contains an entry for this variant (Variation ID: 55288). Advanced modeling of protein sequence and biophysical properties (such as structural, functional, and spatial information, amino acid conservation, physicochemical variation, residue mobility, and thermodynamic stability) performed at Invitae indicates that this missense variant is not expected to disrupt BRCA1 protein function. In summary, the available evidence is currently insufficient to determine the role of this variant in disease. Therefore, it has been classified as a Variant of Uncertain Significance.

All of Us Research Program, National Institutes of Health
Classification: Uncertain significance for Breast-ovarian cancer, familial, susceptibility to, 1. Last evaluated: 2023-08-15. Review status: criteria provided, single submitter. Criteria: ACMG Guidelines, 2015. Collection method: clinical testing. Allele origin: germline. Inheritance: Autosomal dominant inheritance. Observed: 1 variant allele, 1 heterozygote.
Comment: This study involves interpretation of variants in research participants for the purpose of population health screening. Participant phenotype was not available at the time of variant classification. Additional details can be found in publication PMID: 35346344, PMCID: PMC8962531

Ambry Genetics
Classification: Likely benign for Hereditary cancer-predisposing syndrome. Last evaluated: 2020-09-16. Review status: criteria provided, single submitter. Criteria: Ambry Variant Classification Scheme 2023. Collection method: clinical testing. Allele origin: germline.

Breast Cancer Information Core (BIC) (BRCA1)
Classification: Uncertain significance for Breast-ovarian cancer, familial 1. Last evaluated: 2003-12-23. Review status: no assertion criteria provided. Collection method: clinical testing. Allele origin: germline. Affected: yes. Observed: 1 variant allele. Not counted in ClinVar's aggregate classification.

Literature cited by the submitters: PubMed 10923033 (cited by Labcorp Genetics (formerly Invitae), Labcorp); PubMed 28781887 (cited by Ambry Genetics).